The following is an entry in ClinVar:

ClinVar aggregate classification (germline): Pathogenic (1 of 4 stars; one submission).

Submission:

Labcorp Genetics (formerly Invitae), Labcorp
Classification: Pathogenic. Last evaluated: 2025-05-01. Review status: criteria provided, single submitter. Criteria: Invitae Variant Classification Sherloc (09022015). Collection method: clinical testing. Allele origin: germline.
Comment: This sequence change creates a premature translational stop signal (p.Lys290Glufs*22) in the EPS8L2 gene. It is expected to result in an absent or disrupted protein product. Loss-of-function variants in EPS8L2 are known to be pathogenic (PMID: 26282398, 28281779). This variant is not present in population databases (gnomAD no frequency). This variant has not been reported in the literature in individuals affected with EPS8L2-related conditions. For these reasons, this variant has been classified as Pathogenic.

Literature cited by the submitters: PubMed 26282398; PubMed 28281779.

NM_022772.4(EPS8L2):c.863dup (p.Lys290fs)

Gene: EPS8L2 (EPS8 signaling adaptor L2; plus strand). Cytogenetic location: 11p15.5.
Variant type: Duplication.
Coding change: c.863dup on transcript NM_022772.4 (MANE Select); coding-DNA position 863, one base duplicated (A; older notation c.863dupA).
Protein change: p.Lys290fs; shifts the reading frame from lysine 290.
Molecular consequence: frameshift variant.
Genome position (GRCh38, 1-based): chr11:721,659, A duplicated; the last of 5 consecutive A bases (chr11:721,655-721,659); duplicating any one gives the same sequence. VCF-style (leftmost placement, unchanged base first): chr11-721654-G-GA. GRCh37 (hg19) VCF-style: chr11-721654-G-GA.
Other names: c.863dup, p.Lys290fs (NM_001441192.1, NM_001441193.1); c.326dup, p.Lys111fs (NM_001441194.1); short protein forms K111fs, K290fs.
Identifiers: ClinVar variation 4717064 (VCV004717064.1).